The following is an entry in ClinVar:

ClinVar aggregate classification (germline): Uncertain significance. Review status: criteria provided, multiple submitters, no conflicts (2 of 4 stars). 2 submissions from 2 submitters: Uncertain significance (2). Last evaluated 2025-06-23.

Conditions:
Primary ciliary dyskinesia. Also called: Ciliary dyskinesia. Identifiers: Orphanet 244, MedGen C0008780, MONDO:0016575, HP:0012265.

gnomAD v4.1: 2 of 1,551,706 alleles (0.00013%); highest among the groups gnomAD compares: Non-Finnish European, 0.00017%; no homozygotes.

Submissions (2):

Ambry Genetics
Classification: Uncertain significance for Primary ciliary dyskinesia. Last evaluated: 2025-06-23. Review status: criteria provided, single submitter. Criteria: Ambry Variant Classification Scheme 2023. Collection method: clinical testing. Allele origin: germline.
Comment: The p.L490M variant (also known as c.1468C>A), located in coding exon 12 of the CCDC114 gene, results from a C to A substitution at nucleotide position 1468. The leucine at codon 490 is replaced by methionine, an amino acid with highly similar properties. This amino acid position is conserved. In addition, this alteration is predicted to be tolerated by in silico analysis. Based on the available evidence, the clinical significance of this variant remains unclear.

Labcorp Genetics (formerly Invitae), Labcorp
Classification: Uncertain significance for Primary ciliary dyskinesia. Last evaluated: 2023-08-14. Review status: criteria provided, single submitter. Criteria: Invitae Variant Classification Sherloc (09022015). Collection method: clinical testing. Allele origin: germline.
Comment: This sequence change replaces leucine, which is neutral and non-polar, with methionine, which is neutral and non-polar, at codon 490 of the CCDC114 protein (p.Leu490Met). This variant is present in population databases (no rsID available, gnomAD 0.002%). This variant has not been reported in the literature in individuals affected with CCDC114-related conditions. An algorithm developed to predict the effect of missense changes on protein structure and function (PolyPhen-2) suggests that this variant is likely to be disruptive. In summary, the available evidence is currently insufficient to determine the role of this variant in disease. Therefore, it has been classified as a Variant of Uncertain Significance.

NM_001364171.2(ODAD1):c.1579C>A (p.Leu527Met)

Gene: ODAD1 (outer dynein arm docking complex subunit 1; minus strand). Cytogenetic location: 19q13.33.
Variant type: single nucleotide variant.
Coding change: c.1579C>A on transcript NM_001364171.2 (MANE Select); coding-DNA position 1579, C replaced by A.
Protein change: p.Leu527Met; replaces leucine 527 with methionine.
Molecular consequence: missense variant.
Genome position (GRCh38, 1-based): chr19:48,297,592, G>T on the plus strand (C>A on the coding strand, the complement: ODAD1 is on the minus strand). VCF-style: chr19-48297592-G-T. GRCh37 (hg19) VCF-style: chr19-48800849-G-T.
Other names: c.1468C>A (NM_144577.3); c.1468C>A, p.Leu490Met (NM_144577.4); short protein forms L490M, L527M.
Identifiers: ClinVar variation 2794519 (VCV002794519.4), dbSNP rs371854569, ClinGen allele CA406654213.